The following is an entry in ClinVar:

ClinVar aggregate classification (germline): Pathogenic (1 of 4 stars; one submission).

Submission:

GeneDx
Classification: Pathogenic. Last evaluated: 2015-10-26. Review status: criteria provided, single submitter. Criteria: GeneDx Variant Classification (06012015). Collection method: clinical testing. Allele origin: germline. Affected: yes.
Comment: The c.585-1G>C splice site variant in the SGCA gene destroys the canonical splice acceptor site in intron 5. It is predicted to cause abnormal gene splicing, either leading to an abnormal message that is subject to nonsense-mediated mRNA decay, or to an abnormal protein product if the message is used for protein translation. Although c.585-1G>C has not been previously reported to our knowledge, it is considered a pathogenic variant.

NM_000023.4(SGCA):c.585-1G>C

Gene: SGCA (sarcoglycan alpha; plus strand). Cytogenetic location: 17q21.33.
Variant type: single nucleotide variant.
Coding change: c.585-1G>C on transcript NM_000023.4 (MANE Select); the canonical splice acceptor site of the intron before coding-DNA position 585, G replaced by C.
Molecular consequence: splice acceptor variant. On other transcripts: intron variant (1).
Genome position (GRCh38, 1-based): chr17:50,169,091, G>C. VCF-style: chr17-50169091-G-C. GRCh37 (hg19) VCF-style: chr17-48246452-G-C.
Other names: c.584+519G>C (NM_001135697.3).
Identifiers: ClinVar variation 449294 (VCV000449294.2), dbSNP rs1342189589, ClinGen allele CA400180249.
Genomic context (GRCh38, chr17:50,169,091, plus strand): 5'-AGAGTGGTGCCTCGTGCCCCCTGCCCCCACTCTGCTGACAGTGACTTCTATCTGGTCCCA[G>C]GGTATACATTAAGGTGGGTTCTGCCTCACCTTTTTCTACTTGCCTGAAGATGGTGGCATC-3'